The following is an entry in ClinVar:

NM_000428.3(LTBP2):c.3010C>G (p.Gln1004Glu)

Gene: LTBP2 (latent transforming growth factor beta binding protein 2; minus strand). Cytogenetic location: 14q24.3.
Variant type: single nucleotide variant.
Coding change: c.3010C>G on transcript NM_000428.3 (MANE Select); coding-DNA position 3010, C replaced by G.
Protein change: p.Gln1004Glu; replaces glutamine 1004 with glutamic acid.
Molecular consequence: missense variant.
Genome position (GRCh38, 1-based): chr14:74,511,263, G>C on the plus strand (C>G on the coding strand, the complement: LTBP2 is on the minus strand). VCF-style: chr14-74511263-G-C. GRCh37 (hg19) VCF-style: chr14-74977966-G-C.
Other names: short protein forms Q1004E.
Identifiers: ClinVar variation 1513028 (VCV001513028.8), dbSNP rs2139698309, ClinGen allele CA390389999.

ClinVar aggregate classification (germline): Uncertain significance (1 of 4 stars; one submission).

Submission:

Labcorp Genetics (formerly Invitae), Labcorp
Classification: Uncertain significance. Last evaluated: 2021-02-25. Review status: criteria provided, single submitter. Criteria: Invitae Variant Classification Sherloc (09022015). Collection method: clinical testing. Allele origin: germline.
Comment: Algorithms developed to predict the effect of missense changes on protein structure and function (SIFT, PolyPhen-2, Align-GVGD) all suggest that this variant is likely to be disruptive, but these predictions have not been confirmed by published functional studies and their clinical significance is uncertain. In summary, the available evidence is currently insufficient to determine the role of this variant in disease. Therefore, it has been classified as a Variant of Uncertain Significance. This variant has not been reported in the literature in individuals with LTBP2-related conditions. This variant is not present in population databases (ExAC no frequency). This sequence change replaces glutamine with glutamic acid at codon 1004 of the LTBP2 protein (p.Gln1004Glu). The glutamine residue is highly conserved and there is a small physicochemical difference between glutamine and glutamic acid.